The following is an entry in ClinVar:

ClinVar aggregate classification (germline): Likely pathogenic (1 of 4 stars; one submission).

Conditions:
Hereditary cancer-predisposing syndrome. Also called: Hereditary Cancer Syndrome; Hereditary neoplastic syndrome; Neoplastic Syndromes, Hereditary; Tumor predisposition. Identifiers: Orphanet 140162, MedGen C0027672, MeSH D009386, MONDO:0015356.

Submission:

Ambry Genetics
Classification: Likely pathogenic for Hereditary cancer-predisposing syndrome. Last evaluated: 2025-04-21. Review status: criteria provided, single submitter. Criteria: Ambry Variant Classification Scheme 2023. Collection method: clinical testing. Allele origin: germline.
Comment: The p.S2355* variant (also known as c.7064C>G), located in coding exon 15 of the APC gene, results from a C to G substitution at nucleotide position 7064. This changes the amino acid from a serine to a stop codon within coding exon 15. This alteration occurs at the 3' terminus of theAPC gene, is not expected to trigger nonsense-mediated mRNA decay, and impacts the last 17% of the protein. However, premature stop codons are typically deleterious in nature and the impacted region is critical for protein function and a significant portion of the protein is affected (Ambry internal data). This variant is considered to be rare based on population cohorts in the Genome Aggregation Database (gnomAD). Based on the majority of available evidence to date, this variant is likely to be pathogenic.

NM_000038.6(APC):c.7064C>G (p.Ser2355Ter)

Gene: APC (APC regulator of Wnt signaling pathway; plus strand). Cytogenetic location: 5q22.2.
Variant type: single nucleotide variant.
Coding change: c.7064C>G on transcript NM_000038.6 (MANE Select); coding-DNA position 7064, C replaced by G.
Protein change: p.Ser2355Ter; replaces serine 2355 with a stop codon.
Molecular consequence: nonsense. On other transcripts: non-coding transcript variant (2).
Genome position (GRCh38, 1-based): chr5:112,842,658, C>G. VCF-style: chr5-112842658-C-G. GRCh37 (hg19) VCF-style: chr5-112178355-C-G.
Other names: c.7064C>G, p.Ser2355Ter (NM_001127510.3, NM_001354895.2, NM_001407450.1); c.7010C>G, p.Ser2337Ter (NM_001127511.3); c.7118C>G, p.Ser2373Ter (NM_001354896.2, NM_001407447.1, NM_001407448.1 and 1 more transcripts); c.7094C>G, p.Ser2365Ter (NM_001354897.2); c.6989C>G, p.Ser2330Ter (NM_001354898.2); c.6980C>G, p.Ser2327Ter (NM_001354899.2); c.6941C>G, p.Ser2314Ter (NM_001354900.2); c.6887C>G, p.Ser2296Ter (NM_001354901.2, NM_001407453.1); and 11 more; short protein forms S2254*, S2264*, S2272*, S2345*, S2373*, S1971*, S2314*, S2348*.
Identifiers: ClinVar variation 3928416 (VCV003928416.1).